The following is an entry in ClinVar:

ClinVar aggregate classification (germline): Uncertain significance. Review status: criteria provided, multiple submitters, no conflicts (2 of 4 stars). 2 submissions from 2 submitters: Uncertain significance (2). Last evaluated 2024-11-04.

Conditions:
Megalencephalic leukoencephalopathy with subcortical cysts 1 (MLC1). Also called: LEUKOENCEPHALOPATHY WITH SWELLING AND CYSTS; VACUOLATING MEGALENCEPHALIC LEUKOENCEPHALOPATHY WITH SUBCORTICAL CYSTS. Identifiers: Orphanet 2478, MedGen C5779875, MONDO:0024555, OMIM 604004.

gnomAD v4.1: 13 of 1,613,658 alleles (0.00081%); highest among the groups gnomAD compares: East Asian, 0.018%; no homozygotes.

Submissions (2):

Labcorp Genetics (formerly Invitae), Labcorp
Classification: Uncertain significance. Last evaluated: 2024-11-04. Review status: criteria provided, single submitter. Criteria: Invitae Variant Classification Sherloc (09022015). Collection method: clinical testing. Allele origin: germline.
Comment: This sequence change replaces threonine, which is neutral and polar, with arginine, which is basic and polar, at codon 231 of the MLC1 protein (p.Thr231Arg). This variant is present in population databases (rs199773674, gnomAD 0.05%). This variant has not been reported in the literature in individuals affected with MLC1-related conditions. ClinVar contains an entry for this variant (Variation ID: 2063700). Invitae Evidence Modeling of protein sequence and biophysical properties (such as structural, functional, and spatial information, amino acid conservation, physicochemical variation, residue mobility, and thermodynamic stability) indicates that this missense variant is not expected to disrupt MLC1 protein function with a negative predictive value of 80%. In summary, the available evidence is currently insufficient to determine the role of this variant in disease. Therefore, it has been classified as a Variant of Uncertain Significance.

Juno Genomics, Hangzhou Juno Genomics, Inc
Classification: Uncertain significance for Megalencephalic leukoencephalopathy with subcortical cysts 1. Review status: criteria provided, single submitter. Criteria: ACMG Guidelines, 2015. Collection method: clinical testing. Allele origin: germline.
Comment: Absent from controls (or at extremely low frequency if recessive) in Genome Aggregation Database.;Multiple lines of computational evidence support a deleterious effect on the gene or gene product.

NM_015166.4(MLC1):c.692C>G (p.Thr231Arg)

Gene: MLC1 (modulator of VRAC current 1; minus strand). Cytogenetic location: 22q13.33.
Variant type: single nucleotide variant.
Coding change: c.692C>G on transcript NM_015166.4 (MANE Select); coding-DNA position 692, C replaced by G.
Protein change: p.Thr231Arg; replaces threonine 231 with arginine.
Molecular consequence: missense variant. On other transcripts: non-coding transcript variant (3).
Genome position (GRCh38, 1-based): chr22:50,074,238, G>C on the plus strand (C>G on the coding strand, the complement: MLC1 is on the minus strand). VCF-style: chr22-50074238-G-C. GRCh37 (hg19) VCF-style: chr22-50512667-G-C.
Other names: c.692C>G, p.Thr231Arg (NM_001376472.1, NM_001376473.1, NM_001376474.1 and 6 more transcripts); c.602C>G, p.Thr201Arg (NM_001376480.1); c.590C>G, p.Thr197Arg (NM_001376481.1); c.536C>G, p.Thr179Arg (NM_001376482.1, NM_001376483.1); c.455C>G, p.Thr152Arg (NM_001376484.1); short protein forms T201R, T231R, T152R, T197R, T179R.
Identifiers: ClinVar variation 2063700 (VCV002063700.4), dbSNP rs199773674, ClinGen allele CA10303420.